The following is an entry in ClinVar:

NM_001042545.2(LTBP4):c.2161G>T (p.Ala721Ser)

Gene: LTBP4 (latent transforming growth factor beta binding protein 4; plus strand). Cytogenetic location: 19q13.2.
Variant type: single nucleotide variant.
Coding change: c.2161G>T on transcript NM_001042545.2 (MANE Select); coding-DNA position 2161, G replaced by T.
Protein change: p.Ala721Ser; replaces alanine 721 with serine.
Molecular consequence: missense variant.
Genome position (GRCh38, 1-based): chr19:40,611,966, G>T. VCF-style: chr19-40611966-G-T. GRCh37 (hg19) VCF-style: chr19-41117872-G-T.
Other names: c.2362G>T, p.Ala788Ser (NM_001042544.1); c.2251G>T, p.Ala751Ser (NM_003573.2); short protein forms A721S, A751S, A788S.
Identifiers: ClinVar variation 1956338 (VCV001956338.4), dbSNP rs774964698, ClinGen allele CA9448541.

ClinVar aggregate classification (germline): Uncertain significance (1 of 4 stars; one submission).

Allele frequency attached by ClinVar (database versions not stated): gnomAD exomes below 0.00001; ExAC 0.00001.
gnomAD v4.1: 1 of 1,611,858 alleles (0.000062%); highest among the groups gnomAD compares: Admixed American, 0.0017%; no homozygotes.

Submission:

Labcorp Genetics (formerly Invitae), Labcorp
Classification: Uncertain significance. Last evaluated: 2024-10-21. Review status: criteria provided, single submitter. Criteria: Invitae Variant Classification Sherloc (09022015). Collection method: clinical testing. Allele origin: germline.
Comment: This sequence change replaces alanine, which is neutral and non-polar, with serine, which is neutral and polar, at codon 751 of the LTBP4 protein (p.Ala751Ser). This variant is present in population databases (rs774964698, gnomAD 0.003%). This variant has not been reported in the literature in individuals affected with LTBP4-related conditions. ClinVar contains an entry for this variant (Variation ID: 1956338). Experimental studies and prediction algorithms are not available or were not evaluated, and the functional significance of this variant is currently unknown. In summary, the available evidence is currently insufficient to determine the role of this variant in disease. Therefore, it has been classified as a Variant of Uncertain Significance.